The following is an entry in ClinVar:

ClinVar aggregate classification (germline): Uncertain significance (1 of 4 stars; one submission).

gnomAD v4.1: 24 of 1,612,476 alleles (0.0015%); highest among the groups gnomAD compares: East Asian, 0.027%; no homozygotes.

Submission:

Labcorp Genetics (formerly Invitae), Labcorp
Classification: Uncertain significance. Last evaluated: 2024-10-03. Review status: criteria provided, single submitter. Criteria: Invitae Variant Classification Sherloc (09022015). Collection method: clinical testing. Allele origin: germline.
Comment: This sequence change replaces threonine, which is neutral and polar, with methionine, which is neutral and non-polar, at codon 343 of the GRHL2 protein (p.Thr343Met). This variant is present in population databases (rs376701859, gnomAD 0.08%). This variant has not been reported in the literature in individuals affected with GRHL2-related conditions. Invitae Evidence Modeling of protein sequence and biophysical properties (such as structural, functional, and spatial information, amino acid conservation, physicochemical variation, residue mobility, and thermodynamic stability) has been performed for this missense variant. However, the output from this modeling did not meet the statistical confidence thresholds required to predict the impact of this variant on GRHL2 protein function. In summary, the available evidence is currently insufficient to determine the role of this variant in disease. Therefore, it has been classified as a Variant of Uncertain Significance.

NM_024915.4(GRHL2):c.1028C>T (p.Thr343Met)

Gene: GRHL2 (grainyhead like transcription factor 2; plus strand). Cytogenetic location: 8q22.3.
Variant type: single nucleotide variant.
Coding change: c.1028C>T on transcript NM_024915.4 (MANE Select); coding-DNA position 1028, C replaced by T.
Protein change: p.Thr343Met; replaces threonine 343 with methionine.
Molecular consequence: missense variant.
Genome position (GRCh38, 1-based): chr8:101,599,081, C>T. VCF-style: chr8-101599081-C-T. GRCh37 (hg19) VCF-style: chr8-102611309-C-T.
Other names: c.980C>T, p.Thr327Met (NM_001330593.2); short protein forms T327M, T343M.
Identifiers: ClinVar variation 3718307 (VCV003718307.2).